The following is an entry in ClinVar:

ClinVar aggregate classification (germline): Uncertain significance (1 of 4 stars; one submission).

Submission:

Ambry Genetics
Classification: Uncertain significance. Last evaluated: 2025-05-28. Review status: criteria provided, single submitter. Criteria: Ambry Variant Classification Scheme 2023. Collection method: clinical testing. Allele origin: germline.
Comment: The p.P289A variant (also known as c.865C>G), located in coding exon 9 of the FAM175A gene, results from a C to G substitution at nucleotide position 865. The proline at codon 289 is replaced by alanine, an amino acid with highly similar properties. This amino acid position is conserved. In addition, the in silico prediction for this alteration is inconclusive. Based on the available evidence, the clinical significance of this variant remains unclear.

NM_139076.3(ABRAXAS1):c.865C>G (p.Pro289Ala)

Gene: ABRAXAS1 (abraxas 1, BRCA1 A complex subunit; minus strand). Cytogenetic location: 4q21.23.
Variant type: single nucleotide variant.
Coding change: c.865C>G on transcript NM_139076.3 (MANE Select); coding-DNA position 865, C replaced by G.
Protein change: p.Pro289Ala; replaces proline 289 with alanine.
Molecular consequence: missense variant.
Genome position (GRCh38, 1-based): chr4:83,462,834, G>C on the plus strand (C>G on the coding strand, the complement: ABRAXAS1 is on the minus strand). VCF-style: chr4-83462834-G-C. GRCh37 (hg19) VCF-style: chr4-84383987-G-C.
Other names: c.538C>G, p.Pro180Ala (NM_001345962.2); short protein forms P289A, P180A.
Identifiers: ClinVar variation 3994612 (VCV003994612.1).